The following is an entry in ClinVar:

ClinVar aggregate classification (germline): Uncertain significance. Review status: criteria provided, multiple submitters, no conflicts (2 of 4 stars). 2 submissions from 2 submitters: Uncertain significance (2). Last evaluated 2026-03-02.

Conditions:
Borjeson-Forssman-Lehmann syndrome (BFLS). Also called: BORJESON SYNDROME; MENTAL RETARDATION, X-LINKED, SYNDROMIC, BORJESON-FORSSMAN-LEHMANN TYPE; MENTAL RETARDATION, EPILEPSY, AND ENDOCRINE DISORDERS. Identifiers: Orphanet 127, MedGen C0265339, MONDO:0010537, OMIM 301900.

Submissions (2):

Dasa
Classification: Uncertain significance. Last evaluated: 2026-03-02. Review status: criteria provided, single submitter. Criteria: DASA Assertion Criteria. Collection method: clinical testing. Allele origin: germline.
Comment: NM_001015877.2(PHF6):c.89A>G (p.Gln30Arg) is a missense variant that results in the substitution of glutamine with arginine. This variant is rare in population databases. The currently available literature and clinical evidence are not sufficient to establish a definitive association between this variant and the reported condition. Therefore, this variant is classified as a variant of uncertain significance.

Labcorp Genetics (formerly Invitae), Labcorp
Classification: Uncertain significance for Borjeson-Forssman-Lehmann syndrome. Last evaluated: 2022-06-28. Review status: criteria provided, single submitter. Criteria: Invitae Variant Classification Sherloc (09022015). Collection method: clinical testing. Allele origin: germline.
Comment: In summary, the available evidence is currently insufficient to determine the role of this variant in disease. Therefore, it has been classified as a Variant of Uncertain Significance. Algorithms developed to predict the effect of missense changes on protein structure and function are either unavailable or do not agree on the potential impact of this missense change (SIFT: "Deleterious"; PolyPhen-2: "Benign"; Align-GVGD: "Class C35"). This variant has not been reported in the literature in individuals affected with PHF6-related conditions. This variant is not present in population databases (gnomAD no frequency). This sequence change replaces glutamine, which is neutral and polar, with arginine, which is basic and polar, at codon 30 of the PHF6 protein (p.Gln30Arg).

NM_001015877.2(PHF6):c.89A>G (p.Gln30Arg)

Gene: PHF6 (PHD finger protein 6; plus strand). Cytogenetic location: Xq26.2.
Variant type: single nucleotide variant.
Coding change: c.89A>G on transcript NM_001015877.2 (MANE Select); coding-DNA position 89, A replaced by G.
Protein change: p.Gln30Arg; replaces glutamine 30 with arginine.
Molecular consequence: missense variant.
Genome position (GRCh38, 1-based): chrX:134,377,706, A>G. VCF-style: chrX-134377706-A-G. GRCh37 (hg19) VCF-style: chrX-133511736-A-G.
Other names: c.89A>G, p.Gln30Arg (NM_032335.3, NM_032458.3); short protein forms Q30R.
Identifiers: ClinVar variation 1968303 (VCV001968303.7), dbSNP rs2077284380, ClinGen allele CA414710784.